The following is an entry in ClinVar:

NM_020821.3(VPS13C):c.6667A>G (p.Thr2223Ala)

Gene: VPS13C (vacuolar protein sorting 13 homolog C; minus strand). Cytogenetic location: 15q22.2.
Variant type: single nucleotide variant.
Coding change: c.6667A>G on transcript NM_020821.3 (MANE Select); coding-DNA position 6667, A replaced by G.
Protein change: p.Thr2223Ala; replaces threonine 2223 with alanine.
Molecular consequence: missense variant.
Genome position (GRCh38, 1-based): chr15:61,922,705, T>C on the plus strand (A>G on the coding strand, the complement: VPS13C is on the minus strand). VCF-style: chr15-61922705-T-C. GRCh37 (hg19) VCF-style: chr15-62214904-T-C.
Other names: c.6667A>G, p.Thr2223Ala (NM_001018088.3); c.6538A>G, p.Thr2180Ala (NM_017684.5, NM_018080.4); short protein forms T2223A, T2180A.
Identifiers: ClinVar variation 2038152 (VCV002038152.4), dbSNP rs2547887103, ClinGen allele CA392686118.

ClinVar aggregate classification (germline): Uncertain significance (1 of 4 stars; one submission).

Allele frequency attached by ClinVar (database versions not stated): gnomAD exomes below 0.00001.
gnomAD v4.1: 1 of 1,613,778 alleles (0.000062%); highest among the groups gnomAD compares: Non-Finnish European, 0.000085%; no homozygotes.

Submission:

Labcorp Genetics (formerly Invitae), Labcorp
Classification: Uncertain significance. Last evaluated: 2022-06-24. Review status: criteria provided, single submitter. Criteria: Invitae Variant Classification Sherloc (09022015). Collection method: clinical testing. Allele origin: germline.
Comment: This variant is not present in population databases (gnomAD no frequency). In summary, the available evidence is currently insufficient to determine the role of this variant in disease. Therefore, it has been classified as a Variant of Uncertain Significance. Algorithms developed to predict the effect of missense changes on protein structure and function output the following: SIFT: "Tolerated"; PolyPhen-2: "Benign"; Align-GVGD: "Class C0". The alanine amino acid residue is found in multiple mammalian species, which suggests that this missense change does not adversely affect protein function. This variant has not been reported in the literature in individuals affected with VPS13C-related conditions. This sequence change replaces threonine, which is neutral and polar, with alanine, which is neutral and non-polar, at codon 2223 of the VPS13C protein (p.Thr2223Ala).